The following is an entry in ClinVar:

ClinVar aggregate classification (germline): Uncertain significance (1 of 4 stars; one submission).

Conditions:
Mitochondrial DNA depletion syndrome 13. Also called: FBXL4-Related Encephalomyopathic Mitochondrial DNA Depletion Syndrome; Mitochondrial DNA depletion syndrome 13 (encephalomyopathic type). Identifiers: Orphanet 369897, MedGen C3809592, MONDO:0014198, OMIM 615471.

Allele frequency attached by ClinVar (database versions not stated): gnomAD exomes below 0.00001; ExAC 0.00001; gnomAD 0.00001; 1000 Genomes Project 30x 0.00016; 1000 Genomes Project 0.00020.
gnomAD v4.1: 1 of 1,613,968 alleles (0.000062%); highest among the groups gnomAD compares: South Asian, 0.0011%; no homozygotes.

Submission:

Wong Mito Lab, Molecular and Human Genetics, Baylor College of Medicine
Classification: Uncertain significance for Mitochondrial DNA depletion syndrome 13. Last evaluated: 2017-08-10. Review status: criteria provided, single submitter. Criteria: ACMG Guidelines, 2015. Collection method: reference population. Allele origin: germline.
Comment: The NM_012160.4:c.944G>T (NP_036292.2:p.Cys315Phe) [GRCH38: NC_000006.12:g.98905585C>A] variant in FBXL4 gene is interpretated to be a Uncertain Significance - Conflicting Evidence based on ACMG guidelines (PMID: 25741868). This variant meets one or more of the following evidence codes reported in the ACMG-guideline. PM2:This variant is absent in key population databases. BP4:Computational evidence/predictors indicate no impact on the FBXL4 structure, function, or protein-protein interaction. Based on this evidence code ClinGen Pathogenicity Calculator (PMID:28081714) suggested that the variant is Uncertain Significance - Conflicting Evidence.

NM_001278716.2(FBXL4):c.944G>T (p.Cys315Phe)

Gene: FBXL4 (F-box and leucine rich repeat protein 4; minus strand). Cytogenetic location: 6q16.2.
Variant type: single nucleotide variant.
Coding change: c.944G>T on transcript NM_001278716.2 (MANE Select); coding-DNA position 944, G replaced by T.
Protein change: p.Cys315Phe; replaces cysteine 315 with phenylalanine.
Molecular consequence: missense variant. On other transcripts: non-coding transcript variant (2).
Genome position (GRCh38, 1-based): chr6:98,905,585, C>A on the plus strand (G>T on the coding strand, the complement: FBXL4 is on the minus strand). VCF-style: chr6-98905585-C-A. GRCh37 (hg19) VCF-style: chr6-99353461-C-A.
Other names: c.944G>T, p.Cys315Phe (NM_012160.5); short protein forms C315F.
Identifiers: ClinVar variation 437661 (VCV000437661.1), dbSNP rs534670512, ClinGen allele CA3933578.
Genomic context (GRCh38, chr6:98,905,585, plus strand): 5'-GTGTCATCTAGTTTTGCCCAGTATGGTTGCAGATTGAGGTGGATGTATTGCAGAGGATCA[C>A]AGCAATGCTGGCTCAGTAGTTTGCAAGTCTGTGCTAATCTACACAGGTCTGGTAGTGTAA-3'
Protein context (NP_001265645.1, residues 305-325): QTCKLLSQHC[Cys315Phe]DPLQYIHLNL